The following is an entry in ClinVar:

NM_001292063.2(OTOG):c.5220A>C (p.Pro1740=)

Gene: OTOG (otogelin; plus strand). Cytogenetic location: 11p15.1.
Variant type: single nucleotide variant.
Coding change: c.5220A>C on transcript NM_001292063.2 (MANE Select); coding-DNA position 5220, A replaced by C.
Protein change: p.Pro1740=; no amino-acid change (proline 1740 retained).
Molecular consequence: synonymous variant.
Genome position (GRCh38, 1-based): chr11:17,610,520, A>C. VCF-style: chr11-17610520-A-C. GRCh37 (hg19) VCF-style: chr11-17632067-A-C.
Other names: p.Pro1752Pro; c.5256A>C, p.Pro1752= (NM_001277269.2).
Identifiers: ClinVar variation 515163 (VCV000515163.12), dbSNP rs959286824, ClinGen allele CA218476179.

ClinVar aggregate classification (germline): Likely benign. Review status: criteria provided, multiple submitters, no conflicts (2 of 4 stars). 3 submissions from 3 submitters: Likely benign (3). Last evaluated 2025-03-18.

Allele frequency attached by ClinVar (database versions not stated): TOPMed 0.00003.
gnomAD v4.1: 14 of 1,549,734 alleles (0.0009%); highest among the groups gnomAD compares: Admixed American, 0.027%; no homozygotes.

Submissions (3):

Labcorp Genetics (formerly Invitae), Labcorp
Classification: Likely benign. Last evaluated: 2025-03-18. Review status: criteria provided, single submitter. Criteria: Invitae Variant Classification Sherloc (09022015). Collection method: clinical testing. Allele origin: germline.

Laboratory for Molecular Medicine, Mass General Brigham Personalized Medicine
Classification: Likely benign. Last evaluated: 2018-10-29. Review status: criteria provided, single submitter. Criteria: LMM Criteria. Collection method: clinical testing. Allele origin: germline. Observed: 1 variant allele.
Comment: The p.Pro1752Pro variant in OTOG is classified as likely benign because it does not alter an amino acid residue, is not located within the splice consensus site , and computational splice prediction tools do not predict an impact on splicing . It has been identified in 0.04% (11/23846) of Latino chromosomes by gnomAD. ACMG/AMP Criteria applied: BP4, BP7.

GeneDx
Classification: Likely benign. Last evaluated: 2018-02-06. Review status: criteria provided, single submitter. Criteria: GeneDx Variant Classification (06012015). Collection method: clinical testing. Allele origin: germline. Affected: yes.
Comment: This variant is considered likely benign or benign based on one or more of the following criteria: it is a conservative change, it occurs at a poorly conserved position in the protein, it is predicted to be benign by multiple in silico algorithms, and/or has population frequency not consistent with disease.